The following is an entry in ClinVar:

ClinVar aggregate classification (germline): Likely benign. Review status: criteria provided, multiple submitters, no conflicts (2 of 4 stars). 3 submissions from 3 submitters: Likely benign (3). Last evaluated 2026-02-01.

Allele frequency attached by ClinVar (database versions not stated): ExAC 0.00004; gnomAD exomes 0.00004; TOPMed 0.00005; gnomAD 0.00008 and 0.00009.
gnomAD v4.1: 112 of 1,613,978 alleles (0.0069%); highest among the groups gnomAD compares: East Asian, 0.011%; 1 homozygote.

Submissions (3):

Labcorp Genetics (formerly Invitae), Labcorp
Classification: Likely benign. Last evaluated: 2026-02-01. Review status: criteria provided, single submitter. Criteria: Invitae Variant Classification Sherloc (09022015). Collection method: clinical testing. Allele origin: germline.

CeGaT Center for Human Genetics Tuebingen
Classification: Likely benign. Last evaluated: 2024-11-01. Review status: criteria provided, single submitter. Criteria: CeGaT Center For Human Genetics Tuebingen Variant Classification Criteria Version 2. Collection method: clinical testing. Allele origin: germline. Affected: yes. Observed: 1 variant allele.
Comment: LIG1: BP4, BP7

Blueprint Genetics
Classification: Likely benign. Last evaluated: 2024-08-14. Review status: criteria provided, single submitter. Criteria: ACMG Guidelines, 2015. Collection method: clinical testing. Allele origin: germline.

NM_000234.3(LIG1):c.1860C>T (p.Thr620=)

Gene: LIG1 (DNA ligase 1; minus strand). Cytogenetic location: 19q13.33.
Variant type: single nucleotide variant.
Coding change: c.1860C>T on transcript NM_000234.3 (MANE Select); coding-DNA position 1860, C replaced by T.
Protein change: p.Thr620=; no amino-acid change (threonine 620 retained).
Molecular consequence: synonymous variant. On other transcripts: non-coding transcript variant (6).
Genome position (GRCh38, 1-based): chr19:48,127,982, G>A on the plus strand (C>T on the coding strand, the complement: LIG1 is on the minus strand). VCF-style: chr19-48127982-G-A. GRCh37 (hg19) VCF-style: chr19-48631239-G-A.
Other names: c.1767C>T, p.Thr589= (NM_001289063.2); c.1656C>T, p.Thr552= (NM_001289064.2); c.1857C>T, p.Thr619= (NM_001320970.2); c.1770C>T, p.Thr590= (NM_001320971.2).
Identifiers: ClinVar variation 1590623 (VCV001590623.23), dbSNP rs757371674, ClinGen allele CA9546659.